The following is an entry in ClinVar:

ClinVar aggregate classification (germline): Uncertain significance (1 of 4 stars; one submission).

Submission:

Women's Health and Genetics/Laboratory Corporation of America, LabCorp
Classification: Uncertain significance. Last evaluated: 2025-02-06. Review status: criteria provided, single submitter. Criteria: LabCorp Variant Classification Summary - May 2015. Collection method: clinical testing. Allele origin: germline.
Comment: Variant summary: F5 c.1669T>C (p.Trp557Arg) results in a non-conservative amino acid change in the encoded protein sequence. Five of five in-silico tools predict a damaging effect of the variant on protein function. The variant was absent in 251424 control chromosomes. The available data on variant occurrences in the general population are insufficient to allow any conclusion about variant significance. c.1669T>C has been reported in the literature in an individual in the context of Multiple Coagulation Factor Deficiencies (Preisler_2021). These report(s) do not provide unequivocal conclusions about association of the variant with Congenital Factor V Deficiency. To our knowledge, no experimental evidence demonstrating an impact on protein function has been reported. The following publication have been ascertained in the context of this evaluation (PMID: 33477601). No submitters have cited clinical-significance assessments for this variant to ClinVar. Based on the evidence outlined above, the variant was classified as uncertain significance.

Literature cited by the submitters: PubMed 33477601.

NM_000130.5(F5):c.1669T>C (p.Trp557Arg)

Gene: F5 (coagulation factor V; minus strand). Cytogenetic location: 1q24.2.
Variant type: single nucleotide variant.
Coding change: c.1669T>C on transcript NM_000130.5 (MANE Select); coding-DNA position 1669, T replaced by C.
Protein change: p.Trp557Arg; replaces tryptophan 557 with arginine.
Molecular consequence: missense variant.
Genome position (GRCh38, 1-based): chr1:169,546,535, A>G on the plus strand (T>C on the coding strand, the complement: F5 is on the minus strand). VCF-style: chr1-169546535-A-G. GRCh37 (hg19) VCF-style: chr1-169515773-A-G.
Other names: short protein forms W557R.
Identifiers: ClinVar variation 3768721 (VCV003768721.1).